The following is an entry in ClinVar:

ClinVar aggregate classification (germline): Uncertain significance (1 of 4 stars; one submission).

Submission:

Labcorp Genetics (formerly Invitae), Labcorp
Classification: Uncertain significance. Last evaluated: 2022-09-19. Review status: criteria provided, single submitter. Criteria: Invitae Variant Classification Sherloc (09022015). Collection method: clinical testing. Allele origin: germline.
Comment: ClinVar contains an entry for this variant (Variation ID: 1433744). In summary, the available evidence is currently insufficient to determine the role of this variant in disease. Therefore, it has been classified as a Variant of Uncertain Significance. Algorithms developed to predict the effect of missense changes on protein structure and function are either unavailable or do not agree on the potential impact of this missense change (SIFT: "Not Available"; PolyPhen-2: "Probably Damaging"; Align-GVGD: "Not Available"). This variant is not present in population databases (gnomAD no frequency). This variant has not been reported in the literature in individuals affected with EGF-related conditions. This sequence change replaces arginine, which is basic and polar, with leucine, which is neutral and non-polar, at codon 633 of the EGF protein (p.Arg633Leu).

NM_001963.6(EGF):c.1898G>T (p.Arg633Leu)

Gene: EGF (epidermal growth factor; plus strand). Cytogenetic location: 4q25.
Variant type: single nucleotide variant.
Coding change: c.1898G>T on transcript NM_001963.6 (MANE Select); coding-DNA position 1898, G replaced by T.
Protein change: p.Arg633Leu; replaces arginine 633 with leucine.
Molecular consequence: missense variant.
Genome position (GRCh38, 1-based): chr4:109,976,080, G>T. VCF-style: chr4-109976080-G-T. GRCh37 (hg19) VCF-style: chr4-110897236-G-T.
Other names: c.1898G>T, p.Arg633Leu (NM_001178130.3); c.1772G>T, p.Arg591Leu (NM_001178131.3, NM_001357021.2); short protein forms R633L, R591L.
Identifiers: ClinVar variation 1433744 (VCV001433744.6), dbSNP rs749928425, ClinGen allele CA357883657.